The following is an entry in ClinVar:

NM_025137.4(SPG11):c.1008-1G>A

Gene: SPG11 (SPG11 vesicle trafficking associated, spatacsin; minus strand). Cytogenetic location: 15q21.1.
Variant type: single nucleotide variant.
Coding change: c.1008-1G>A on transcript NM_025137.4 (MANE Select); the canonical splice acceptor site of the intron before coding-DNA position 1008, G replaced by A.
Molecular consequence: splice acceptor variant.
Genome position (GRCh38, 1-based): chr15:44,651,940, C>T on the plus strand (G>A on the coding strand, the complement: SPG11 is on the minus strand). VCF-style: chr15-44651940-C-T. GRCh37 (hg19) VCF-style: chr15-44944138-C-T.
Other names: c.1008-1G>A (NM_001411132.1, NM_001160227.2).
Identifiers: ClinVar variation 1505114 (VCV001505114.6), dbSNP rs2141107413, ClinGen allele CA392236800.

ClinVar aggregate classification (germline): Likely pathogenic (1 of 4 stars; one submission).

Conditions:
Hereditary spastic paraplegia 11. Also called: SPASTIC PARAPLEGIA, AUTOSOMAL RECESSIVE, COMPLICATED, WITH THIN CORPUS CALLOSUM; SPASTIC PARAPLEGIA, AUTOSOMAL RECESSIVE, WITH MENTAL IMPAIRMENT AND THIN CORPUS CALLOSUM; Spastic paraplegia, mental retardation and thin corpus callosum; Nakamura Osame syndrome; Autosomal recessive hereditary spastic paraplegia, mental impairment, and thin corpus callosum; Spastic Paraplegia 11. Identifiers: Orphanet 2822, MedGen C1858479, MONDO:0011445, OMIM 604360.

Submission:

Labcorp Genetics (formerly Invitae), Labcorp
Classification: Likely pathogenic for Hereditary spastic paraplegia 11. Last evaluated: 2021-11-07. Review status: criteria provided, single submitter. Criteria: Invitae Variant Classification Sherloc (09022015). Collection method: clinical testing. Allele origin: germline.
Comment: In summary, the currently available evidence indicates that the variant is pathogenic, but additional data are needed to prove that conclusively. Therefore, this variant has been classified as Likely Pathogenic. Algorithms developed to predict the effect of sequence changes on RNA splicing suggest that this variant may disrupt the consensus splice site. This variant has not been reported in the literature in individuals affected with SPG11-related conditions. This variant is not present in population databases (gnomAD no frequency). This sequence change affects an acceptor splice site in intron 5 of the SPG11 gene. It is expected to disrupt RNA splicing. Variants that disrupt the donor or acceptor splice site typically lead to a loss of protein function (PMID: 16199547), and loss-of-function variants in SPG11 are known to be pathogenic (PMID: 19105190, 20110243, 22154821, 26556829).

Literature cited by the submitters: PubMed 16199547; PubMed 19105190; PubMed 20110243; PubMed 22154821; PubMed 26556829.